The following is an entry in ClinVar:

ClinVar aggregate classification (germline): Benign (1 of 4 stars; one submission).

Conditions:
Melanoma, cutaneous malignant, susceptibility to, 5. Also called: Cutaneous malignant melanoma 5. Identifiers: Orphanet 618, MedGen C2751295, MONDO:0013133, OMIM 613099.

Allele frequency attached by ClinVar (database versions not stated): gnomAD 0.00078 and 0.00073; gnomAD exomes 0.00053 and 0.00069; TOPMed 0.00060; ExAC 0.00076.

Submission:

Illumina Laboratory Services, Illumina
Classification: Benign for Melanoma, cutaneous malignant, susceptibility to, 5. Last evaluated: 2018-01-13. Review status: criteria provided, single submitter. Criteria: ICSL Variant Classification Criteria 13 December 2019. Collection method: clinical testing. Allele origin: germline.
Comment: This variant was observed in the ICSL laboratory as part of a predisposition screen in an ostensibly healthy population. It had not been previously curated by ICSL or reported in the Human Gene Mutation Database (HGMD: prior to June 1st, 2018), and was therefore a candidate for classification through an automated scoring system. Utilizing variant allele frequency, disease prevalence and penetrance estimates, and inheritance mode, an automated score was calculated to assess if this variant is too frequent to cause the disease. Based on the score and internal cut-off values, a variant classified as benign is not then subjected to further curation. The score for this variant resulted in a classification of benign for this disease.

NM_002386.4(MC1R):c.*380C>G

Gene: MC1R (melanocortin 1 receptor; plus strand). Cytogenetic location: 16q24.3.
Variant type: single nucleotide variant.
Coding change: c.*380C>G on transcript NM_002386.4 (MANE Select); 380 bases downstream of the stop codon, C replaced by G.
Molecular consequence: 3 prime UTR variant.
Genome position (GRCh38, 1-based): chr16:89,920,592, C>G. VCF-style: chr16-89920592-C-G. GRCh37 (hg19) VCF-style: chr16-89987000-C-G.
Identifiers: ClinVar variation 321451 (VCV000321451.5), dbSNP rs764002798, ClinGen allele CA8255840.